The following is an entry in ClinVar:

NM_001814.6(CTSC):c.566C>T (p.Thr189Ile)

Gene: CTSC (cathepsin C; minus strand). Cytogenetic location: 11q14.2.
Variant type: single nucleotide variant.
Coding change: c.566C>T on transcript NM_001814.6 (MANE Select); coding-DNA position 566, C replaced by T.
Protein change: p.Thr189Ile; replaces threonine 189 with isoleucine.
Molecular consequence: missense variant.
Genome position (GRCh38, 1-based): chr11:88,309,238, G>A on the plus strand (C>T on the coding strand, the complement: CTSC is on the minus strand). VCF-style: chr11-88309238-G-A. GRCh37 (hg19) VCF-style: chr11-88042406-G-A.
Other names: short protein forms T189I.
Identifiers: ClinVar variation 1469738 (VCV001469738.7), dbSNP rs747014415, ClinGen allele CA6219919.

ClinVar aggregate classification (germline): Uncertain significance (1 of 4 stars; one submission).

Conditions:
Papillon-Lefèvre syndrome (PALS). Also called: KERATOSIS PALMOPLANTARIS WITH PERIODONTOPATHIA; Papillon-Lefevre Disease. Identifiers: Orphanet 678, MedGen C0030360, MONDO:0009490, OMIM 245000.
Periodontitis, aggressive. Identifiers: MedGen C0031106, MONDO:0980757.
Haim-Munk syndrome (HMS). Also called: COCHIN JEWISH DISORDER; KERATOSIS PALMOPLANTARIS WITH PERIODONTOPATHIA AND ONYCHOGRYPOSIS. Identifiers: Orphanet 2342, MedGen C1855627, MONDO:0009491, OMIM 245010.

Allele frequency attached by ClinVar (database versions not stated): gnomAD exomes below 0.00001; TOPMed 0.00001; gnomAD 0.00001; ExAC 0.00001.
gnomAD v4.1: 4 of 1,613,378 alleles (0.00025%); highest among the groups gnomAD compares: Non-Finnish European, 0.00025%; no homozygotes.

Submission:

Labcorp Genetics (formerly Invitae), Labcorp
Classification: Uncertain significance for Haim-Munk syndrome; Periodontitis, aggressive; Papillon-Lefèvre syndrome. Last evaluated: 2021-07-22. Review status: criteria provided, single submitter. Criteria: Invitae Variant Classification Sherloc (09022015). Collection method: clinical testing. Allele origin: germline.
Comment: In summary, the available evidence is currently insufficient to determine the role of this variant in disease. Therefore, it has been classified as a Variant of Uncertain Significance. Algorithms developed to predict the effect of missense changes on protein structure and function output the following: SIFT: "Not Available"; PolyPhen-2: "Benign"; Align-GVGD: "Not Available". The isoleucine amino acid residue is found in multiple mammalian species, which suggests that this missense change does not adversely affect protein function. This variant has not been reported in the literature in individuals affected with CTSC-related conditions. This variant is present in population databases (rs747014415, ExAC 0.001%). This sequence change replaces threonine with isoleucine at codon 189 of the CTSC protein (p.Thr189Ile). The threonine residue is weakly conserved and there is a moderate physicochemical difference between threonine and isoleucine.